The following is an entry in ClinVar:

ClinVar aggregate classification (germline): Likely benign (1 of 4 stars; one submission).

gnomAD v4.1: 65 of 1,614,066 alleles (0.004%); highest among the groups gnomAD compares: African/African-American, 0.073%; no homozygotes.

Submission:

CeGaT Center for Human Genetics Tuebingen
Classification: Likely benign. Last evaluated: 2025-09-01. Review status: criteria provided, single submitter. Criteria: CeGaT Center For Human Genetics Tuebingen Variant Classification Criteria Version 2. Collection method: clinical testing. Allele origin: germline. Affected: yes. Observed: 1 variant allele.
Comment: RBBP5: BP4, BP7

NM_005057.4(RBBP5):c.1275C>T (p.Thr425=)

Gene: RBBP5 (RB binding protein 5, histone lysine methyltransferase complex subunit; minus strand). Cytogenetic location: 1q32.1.
Variant type: single nucleotide variant.
Coding change: c.1275C>T on transcript NM_005057.4 (MANE Select); coding-DNA position 1275, C replaced by T.
Protein change: p.Thr425=; no amino-acid change (threonine 425 retained).
Molecular consequence: synonymous variant.
Genome position (GRCh38, 1-based): chr1:205,096,803, G>A on the plus strand (C>T on the coding strand, the complement: RBBP5 is on the minus strand). VCF-style: chr1-205096803-G-A. GRCh37 (hg19) VCF-style: chr1-205065931-G-A.
Other names: c.1275C>T, p.Thr425= (NM_001193272.2); c.894C>T, p.Thr298= (NM_001193273.2).
Identifiers: ClinVar variation 4281193 (VCV004281193.7).